The following is an entry in ClinVar:

ClinVar aggregate classification (germline): Conflicting classifications of pathogenicity. Review status: criteria provided, conflicting classifications (1 of 4 stars). 4 submissions from 4 submitters: Uncertain significance (3); Likely benign (1). Last evaluated 2026-01-11.

Conditions:
Hereditary cancer-predisposing syndrome. Also called: Neoplastic Syndromes, Hereditary; Tumor predisposition; Hereditary neoplastic syndrome; Hereditary Cancer Syndrome. Identifiers: Orphanet 140162, MedGen C0027672, MeSH D009386, MONDO:0015356.
Gorlin syndrome. Also called: Basal cell nevus syndrome; Nevoid Basal Cell Carcinoma Syndrome. Identifiers: Orphanet 377, MedGen C0004779, MONDO:0007187.
Medulloblastoma (MDB). Also called: Medulloblastoma, somatic; MEDULLOBLASTOMA PREDISPOSITION SYNDROME. Identifiers: Orphanet 616, MedGen C0025149, MeSH D008527, MONDO:0007959, OMIM 155255, HP:0002885.

Allele frequency attached by ClinVar (database versions not stated): ExAC 0.00001; gnomAD 0.00002; gnomAD exomes 0.00002 and 0.00003; TOPMed 0.00004; ESP Exome Variant Server 0.00008.
gnomAD v4.1: 43 of 1,614,072 alleles (0.0027%); highest among the groups gnomAD compares: Non-Finnish European, 0.0032%; no homozygotes.

Submissions (4):

Labcorp Genetics (formerly Invitae), Labcorp
Classification: Uncertain significance for Gorlin syndrome; Medulloblastoma. Last evaluated: 2026-01-11. Review status: criteria provided, single submitter. Criteria: Invitae Variant Classification Sherloc (09022015). Collection method: clinical testing. Allele origin: germline.
Comment: This sequence change replaces isoleucine, which is neutral and non-polar, with valine, which is neutral and non-polar, at codon 235 of the SUFU protein (p.Ile235Val). This variant is present in population databases (rs144666812, gnomAD 0.008%). This variant has not been reported in the literature in individuals affected with SUFU-related conditions. ClinVar contains an entry for this variant (Variation ID: 524650). Invitae Evidence Modeling of protein sequence and biophysical properties (such as structural, functional, and spatial information, amino acid conservation, physicochemical variation, residue mobility, and thermodynamic stability) indicates that this missense variant is not expected to disrupt SUFU protein function with a negative predictive value of 80%. RNA analysis performed to evaluate the impact of this missense change on mRNA splicing indicates it does not significantly alter splicing (internal data). In summary, the available evidence is currently insufficient to determine the role of this variant in disease. Therefore, it has been classified as a Variant of Uncertain Significance.

Center for Genomic Medicine, Rigshospitalet, Copenhagen University Hospital
Classification: Uncertain significance. Last evaluated: 2025-12-29. Review status: criteria provided, single submitter. Criteria: ACMG Guidelines, 2015. Collection method: clinical testing. Allele origin: germline.

GeneDx
Classification: Uncertain significance. Last evaluated: 2024-02-20. Review status: criteria provided, single submitter. Criteria: GeneDx Variant Classification Process June 2021. Collection method: clinical testing. Allele origin: germline. Affected: yes.
Comment: In silico analysis supports that this missense variant does not alter protein structure/function; Has not been previously published as pathogenic or benign to our knowledge; This variant is associated with the following publications: (PMID: 24311597)

Ambry Genetics
Classification: Likely benign for Hereditary cancer-predisposing syndrome. Last evaluated: 2023-12-29. Review status: criteria provided, single submitter. Criteria: Ambry Variant Classification Scheme 2023. Collection method: clinical testing. Allele origin: germline.

NM_016169.4(SUFU):c.703A>G (p.Ile235Val)

Gene: SUFU (SUFU negative regulator of hedgehog signaling; plus strand). Cytogenetic location: 10q24.32.
Variant type: single nucleotide variant.
Coding change: c.703A>G on transcript NM_016169.4 (MANE Select); coding-DNA position 703, A replaced by G.
Protein change: p.Ile235Val; replaces isoleucine 235 with valine.
Molecular consequence: missense variant.
Genome position (GRCh38, 1-based): chr10:102,594,012, A>G. VCF-style: chr10-102594012-A-G. GRCh37 (hg19) VCF-style: chr10-104353769-A-G.
Other names: c.703A>G, p.Ile235Val (NM_001178133.2); short protein forms I235V.
Identifiers: ClinVar variation 524650 (VCV000524650.16), dbSNP rs144666812, ClinGen allele CA5667758.